The following is an entry in ClinVar:

NM_000443.4(ABCB4):c.1120-1G>C

Gene: ABCB4 (ATP binding cassette subfamily B member 4; minus strand). Cytogenetic location: 7q21.12.
Variant type: single nucleotide variant.
Coding change: c.1120-1G>C on transcript NM_000443.4 (MANE Select); the canonical splice acceptor site of the intron before coding-DNA position 1120, G replaced by C.
Molecular consequence: splice acceptor variant.
Genome position (GRCh38, 1-based): chr7:87,443,774, C>G on the plus strand (G>C on the coding strand, the complement: ABCB4 is on the minus strand). VCF-style: chr7-87443774-C-G. GRCh37 (hg19) VCF-style: chr7-87073090-C-G.
Other names: c.1120-1G>C (NM_018850.3, NM_018849.3).
Identifiers: ClinVar variation 4993236 (VCV004993236.1).
Genomic context (GRCh38, chr7:87,443,774, plus strand): 5'-ATTCCCTTTGATGCTGTCTGGTTTGTGTCCTCTCTCTGAAAAACTGTCAATTTTAGGATT[C>G]TAAATAAAACAAAATGTAATGACTATTCCATCATAGCACAAACAAGTTGCATTTTTAAGG-3'

ClinVar aggregate classification (germline): Likely pathogenic (1 of 4 stars; one submission).

Conditions:
ABCB4-related disorder. Also called: ABCB4-related disorders; ABCB4-related condition.

Submission:

PreventionGenetics, part of Exact Sciences
Classification: Likely pathogenic for ABCB4-related condition. Last evaluated: 2025-12-26. Review status: criteria provided, single submitter. Criteria: ACMG Guidelines, 2015. Collection method: clinical testing. Allele origin: germline.
Comment: The ABCB4 c.1120-1G>C variant is predicted to disrupt the AG splice acceptor site and interfere with normal splicing. To our knowledge, this variant has not been reported in the literature or in a large population database (gnomAD), indicating this variant is rare. Variants that disrupt the consensus splice acceptor site in ABCB4 are expected to be pathogenic. This variant is interpreted as likely pathogenic.